The following is an entry in ClinVar:

NM_004612.4(TGFBR1):c.633_635dup (p.Gly212dup)

Gene: TGFBR1 (transforming growth factor beta receptor 1; plus strand). Cytogenetic location: 9q22.33.
Variant type: Duplication.
Coding change: c.633_635dup on transcript NM_004612.4 (MANE Select); coding-DNA positions 633 to 635, 3 bases duplicated (TGG; older notation c.633_635dupTGG).
Protein change: p.Gly212dup; duplicates glycine 212.
Molecular consequence: inframe insertion.
Genome position (GRCh38, 1-based): chr9:99,137,917-99,137,919, TGG duplicated. VCF-style (leftmost placement, unchanged base first): chr9-99137916-T-TTGG. GRCh37 (hg19) VCF-style: chr9-101900198-T-TTGG.
Other names: c.402_404dup, p.Gly135dup (NM_001130916.3); c.645_647dup, p.Gly216dup (NM_001306210.2).
Identifiers: ClinVar variation 520221 (VCV000520221.5), dbSNP rs1554700603, ClinGen allele CA658797254.

ClinVar aggregate classification (germline): Pathogenic (1 of 4 stars; one submission).

Conditions:
Familial thoracic aortic aneurysm and aortic dissection (TAAD). Also called: Thoracic aortic aneurysms and dissections. Identifiers: Orphanet 91387, MedGen C4707243, MONDO:0019625.

Submission:

Ambry Genetics
Classification: Pathogenic for Familial thoracic aortic aneurysm and aortic dissection. Last evaluated: 2016-07-21. Review status: criteria provided, single submitter. Criteria: Ambry Variant Classification Scheme 2023. Collection method: clinical testing. Allele origin: germline.
Comment: The c.633_635dupTGG pathogenic mutation (also known as p.G212dup), located in coding exon 4 of the TGFBR1 gene, results from an in-frame duplication of TGG at nucleotide positions 633 to 635. This results in the duplication of an extra residue between codons 212 and 213. Based on the available evidence, c.633_635dupTGG is classified as a pathogenic mutation.